The following is an entry in ClinVar:

ClinVar aggregate classification (germline): Uncertain significance. Review status: criteria provided, multiple submitters, no conflicts (2 of 4 stars). 2 submissions from 2 submitters: Uncertain significance (2). Last evaluated 2026-05-10.

Conditions:
Inborn genetic diseases. Identifiers: MedGen C0950123, MeSH D030342.

Allele frequency attached by ClinVar (database versions not stated): gnomAD exomes below 0.00001; TOPMed below 0.00001; gnomAD 0.00001.
gnomAD v4.1: 3 of 1,612,356 alleles (0.00019%); highest among the groups gnomAD compares: African/African-American, 0.004%; no homozygotes.

Submissions (2):

Ambry Genetics
Classification: Uncertain significance for Inborn genetic diseases. Last evaluated: 2026-05-10. Review status: criteria provided, single submitter. Criteria: Ambry Variant Classification Scheme 2023. Collection method: clinical testing. Allele origin: germline.

GeneDx
Classification: Uncertain significance. Last evaluated: 2019-07-26. Review status: criteria provided, single submitter. Criteria: GeneDx Variant Classification Process June 2021. Collection method: clinical testing. Allele origin: germline. Affected: yes.
Comment: Not observed in large population cohorts (Lek et al., 2016); In silico analysis, which includes protein predictors and evolutionary conservation, supports a deleterious effect. In addition, in silico splice predictors suggest this variant may lead to abnormal gene splicing. In the absence of RNA/functional studies, the actual effect of this sequence change is unknown; Has not been previously published as pathogenic or benign to our knowledge

NM_002470.4(MYH3):c.643G>A (p.Gly215Arg)

Gene: MYH3 (myosin heavy chain 3; minus strand). Cytogenetic location: 17p13.1.
Variant type: single nucleotide variant.
Coding change: c.643G>A on transcript NM_002470.4 (MANE Select); coding-DNA position 643, G replaced by A.
Protein change: p.Gly215Arg; replaces glycine 215 with arginine.
Molecular consequence: missense variant.
Genome position (GRCh38, 1-based): chr17:10,648,649, C>T on the plus strand (G>A on the coding strand, the complement: MYH3 is on the minus strand). VCF-style: chr17-10648649-C-T. GRCh37 (hg19) VCF-style: chr17-10551966-C-T.
Other names: short protein forms G215R.
Identifiers: ClinVar variation 1307348 (VCV001307348.3), dbSNP rs1326527154, ClinGen allele CA398110193.